The following is an entry in ClinVar:

ClinVar aggregate classification (germline): Uncertain significance (1 of 4 stars; one submission).

Allele frequency attached by ClinVar (database versions not stated): ExAC 0.00003; gnomAD exomes 0.00003 and 0.00004; gnomAD 0.00018 and 0.00019; TOPMed 0.00060; 1000 Genomes Project 0.00080; 1000 Genomes Project 30x 0.00109.
gnomAD v4.1: 55 of 1,614,156 alleles (0.0034%); highest among the groups gnomAD compares: Admixed American, 0.078%; no homozygotes.

Submission:

Labcorp Genetics (formerly Invitae), Labcorp
Classification: Uncertain significance. Last evaluated: 2022-08-21. Review status: criteria provided, single submitter. Criteria: Invitae Variant Classification Sherloc (09022015). Collection method: clinical testing. Allele origin: germline.
Comment: This sequence change replaces phenylalanine, which is neutral and non-polar, with leucine, which is neutral and non-polar, at codon 24 of the NDUFA6 protein (p.Phe24Leu). This variant is present in population databases (rs200509359, gnomAD 0.02%). This variant has not been reported in the literature in individuals affected with NDUFA6-related conditions. ClinVar contains an entry for this variant (Variation ID: 1509773). Algorithms developed to predict the effect of missense changes on protein structure and function output the following: SIFT: "Not Available"; PolyPhen-2: "Benign"; Align-GVGD: "Not Available". The leucine amino acid residue is found in multiple mammalian species, which suggests that this missense change does not adversely affect protein function. In summary, the available evidence is currently insufficient to determine the role of this variant in disease. Therefore, it has been classified as a Variant of Uncertain Significance.

NM_002490.6(NDUFA6):c.-7T>G

Gene: NDUFA6 (NADH:ubiquinone oxidoreductase subunit A6; minus strand). Cytogenetic location: 22q13.2.
Variant type: single nucleotide variant.
Coding change: c.-7T>G on transcript NM_002490.6 (MANE Select); 7 bases upstream of the start codon, T replaced by G.
Molecular consequence: 5 prime UTR variant.
Genome position (GRCh38, 1-based): chr22:42,090,751, A>C on the plus strand (T>G on the coding strand, the complement: NDUFA6 is on the minus strand). VCF-style: chr22-42090751-A-C. GRCh37 (hg19) VCF-style: chr22-42486755-A-C.
Identifiers: ClinVar variation 1509773 (VCV001509773.3), dbSNP rs200509359, ClinGen allele CA10264458.